The following is an entry in ClinVar:

NM_014714.4(IFT140):c.888G>A (p.Gly296=)

Genes: IFT140 (intraflagellar transport 140; minus strand), LOC105371046 (uncharacterized LOC105371046; plus strand). Cytogenetic location: 16p13.3.
Variant type: single nucleotide variant.
Coding change: c.888G>A on transcript NM_014714.4 (MANE Select); coding-DNA position 888, G replaced by A.
Protein change: p.Gly296=; no amino-acid change (glycine 296 retained).
Molecular consequence: synonymous variant.
Genome position (GRCh38, 1-based): chr16:1,587,947, C>T on the plus strand (G>A on the coding strand, the complement: IFT140 is on the minus strand). VCF-style: chr16-1587947-C-T. GRCh37 (hg19) VCF-style: chr16-1637948-C-T.
Identifiers: ClinVar variation 4990925 (VCV004990925.1).

ClinVar aggregate classification (germline): Likely benign (1 of 4 stars; one submission).

Conditions:
IFT140-related disorder. Also called: IFT140-related condition.

Submission:

PreventionGenetics, part of Exact Sciences
Classification: Likely benign for IFT140-related condition. Last evaluated: 2025-09-05. Review status: criteria provided, single submitter. Criteria: ACMG Guidelines, 2015. Collection method: clinical testing. Allele origin: germline.
Comment: This variant is classified as likely benign based on ACMG/AMP sequence variant interpretation guidelines (Richards et al. 2015 PMID: 25741868, with internal and published modifications).